The following is an entry in ClinVar:

ClinVar aggregate classification (germline): Likely benign. Review status: criteria provided, single submitter (1 of 4 stars). 2 submissions from 2 submitters: Likely benign (1). 1 of the submissions does not count toward it. Last evaluated 2024-07-05.

Conditions:
PKD1-related disorder. Also called: PKD1-related condition.

Allele frequency attached by ClinVar (database versions not stated): TOPMed 0.00002; gnomAD exomes 0.00003; gnomAD 0.00005; ESP Exome Variant Server 0.00008; ExAC 0.00009.
gnomAD v4.1: 56 of 1,608,454 alleles (0.0035%); highest among the groups gnomAD compares: East Asian, 0.016%; no homozygotes.

Submissions (2):

Blueprint Genetics
Classification: Likely benign. Last evaluated: 2024-07-05. Review status: criteria provided, single submitter. Criteria: ACMG Guidelines, 2015. Collection method: clinical testing. Allele origin: germline.

PreventionGenetics, part of Exact Sciences
Classification: Likely benign for PKD1-related condition. Last evaluated: 2021-04-29. Review status: no assertion criteria provided. Collection method: clinical testing. Allele origin: germline. Not counted in ClinVar's aggregate classification.
Comment: This variant is classified as likely benign based on ACMG/AMP sequence variant interpretation guidelines (Richards et al. 2015 PMID: 25741868, with internal and published modifications).

NM_001009944.3(PKD1):c.3837C>T (p.Pro1279=)

Gene: PKD1 (polycystin 1, transient receptor potential channel interacting; minus strand). Cytogenetic location: 16p13.3.
Variant type: single nucleotide variant.
Coding change: c.3837C>T on transcript NM_001009944.3 (MANE Select); coding-DNA position 3837, C replaced by T.
Protein change: p.Pro1279=; no amino-acid change (proline 1279 retained).
Molecular consequence: synonymous variant.
Genome position (GRCh38, 1-based): chr16:2,111,330, G>A on the plus strand (C>T on the coding strand, the complement: PKD1 is on the minus strand). VCF-style: chr16-2111330-G-A. GRCh37 (hg19) VCF-style: chr16-2161331-G-A.
Other names: c.3837C>T, p.Pro1279= (NM_000296.4).
Identifiers: ClinVar variation 3055884 (VCV003055884.3), dbSNP rs146876403, ClinGen allele CA7832617.